The following is an entry in ClinVar:

ClinVar aggregate classification (germline): Uncertain significance (1 of 4 stars; one submission).

Conditions:
Left ventricular noncompaction 1 (LVNC1). Also called: LEFT VENTRICULAR NONCOMPACTION 1 WITH OR WITHOUT CONGENITAL HEART DEFECTS. Identifiers: Orphanet 54260, MedGen C1858725, MONDO:0011403, OMIM 604169.

gnomAD v4.1: 15 of 1,614,202 alleles (0.00093%); highest among the groups gnomAD compares: Non-Finnish European, 0.0012%; no homozygotes.

Submission:

Labcorp Genetics (formerly Invitae), Labcorp
Classification: Uncertain significance for Left ventricular noncompaction 1. Last evaluated: 2025-12-20. Review status: criteria provided, single submitter. Criteria: Invitae Variant Classification Sherloc (09022015). Collection method: clinical testing. Allele origin: germline.
Comment: This sequence change replaces histidine, which is basic and polar, with arginine, which is basic and polar, at codon 497 of the DTNA protein (p.His497Arg). This variant is not present in population databases (gnomAD no frequency). This variant has not been reported in the literature in individuals affected with DTNA-related conditions. An algorithm developed to predict the effect of missense changes on protein structure and function (PolyPhen-2) suggests that this variant is likely to be disruptive. In summary, the available evidence is currently insufficient to determine the role of this variant in disease. Therefore, it has been classified as a Variant of Uncertain Significance.

NM_001386795.1(DTNA):c.1571A>G (p.His524Arg)

Gene: DTNA (dystrobrevin alpha; plus strand). Cytogenetic location: 18q12.1.
Variant type: single nucleotide variant.
Coding change: c.1571A>G on transcript NM_001386795.1 (MANE Select); coding-DNA position 1571, A replaced by G.
Protein change: p.His524Arg; replaces histidine 524 with arginine.
Molecular consequence: missense variant.
Genome position (GRCh38, 1-based): chr18:34,858,323, A>G. VCF-style: chr18-34858323-A-G. GRCh37 (hg19) VCF-style: chr18-32438287-A-G.
Other names: c.1310A>G, p.His437Arg (NM_001198938.2, NM_001198939.2, NM_001198940.2 and 9 more transcripts); c.617A>G, p.His206Arg (NM_001198942.1); c.560A>G, p.His187Arg (NM_001198943.1); c.446A>G, p.His149Arg (NM_001198944.1); c.740A>G, p.His247Arg (NM_001198945.2); c.1400A>G, p.His467Arg (NM_001386754.1, NM_001386755.1, NM_001386756.1 and 4 more transcripts); c.1397A>G, p.His466Arg (NM_001386760.1); c.1319A>G, p.His440Arg (NM_001386761.1, NM_032975.4, NM_032979.5); and 7 more; short protein forms H145R, H206R, H440R, H466R, H149R, H247R, H436R, H439R.
Identifiers: ClinVar variation 4743658 (VCV004743658.1).
Genomic context (GRCh38, chr18:34,858,323, plus strand): 5'-CACCTTCCTCCTCTCTCCCAAGAGAAATCTTACAGGAGATCCAGAGACTTCGGCTAGAGC[A>G]TGAACAAGCTTCTCAGCCCACGCCAGAGAAGGCACAGCAAAACCCCACCCTGCTGGCAGA-3'
Protein context (NP_001373724.1, residues 514-534): LQEIQRLRLE[His524Arg]EQASQPTPEK